The following is an entry in ClinVar:

NM_001556.3(IKBKB):c.1121G>C (p.Gly374Ala)

Gene: IKBKB (inhibitor of nuclear factor kappa B kinase subunit beta; plus strand). Cytogenetic location: 8p11.21.
Variant type: single nucleotide variant.
Coding change: c.1121G>C on transcript NM_001556.3 (MANE Select); coding-DNA position 1121, G replaced by C.
Protein change: p.Gly374Ala; replaces glycine 374 with alanine.
Molecular consequence: missense variant. On other transcripts: non-coding transcript variant (3).
Genome position (GRCh38, 1-based): chr8:42,316,900, G>C. VCF-style: chr8-42316900-G-C. GRCh37 (hg19) VCF-style: chr8-42174418-G-C.
Other names: c.929G>C, p.Gly310Ala (NM_001190720.3); c.944G>C, p.Gly315Ala (NM_001242778.2); short protein forms G315A, G310A, G374A.
Identifiers: ClinVar variation 1386930 (VCV001386930.7), dbSNP rs1434387039, ClinGen allele CA371085688.

ClinVar aggregate classification (germline): Uncertain significance (1 of 4 stars; one submission).

Conditions:
Severe combined immunodeficiency due to IKK2 deficiency. Also called: Immunodeficiency 15; IMMUNODEFICIENCY 15B. Identifiers: Orphanet 397787, MedGen C4747743, MONDO:0014267, OMIM 615592.

Allele frequency attached by ClinVar (database versions not stated): gnomAD 0.00001; gnomAD exomes 0.00001.
gnomAD v4.1: 16 of 1,613,756 alleles (0.00099%); highest among the groups gnomAD compares: Non-Finnish European, 0.0014%; no homozygotes.

Submission:

Labcorp Genetics (formerly Invitae), Labcorp
Classification: Uncertain significance for Severe combined immunodeficiency due to IKK2 deficiency. Last evaluated: 2024-08-06. Review status: criteria provided, single submitter. Criteria: Invitae Variant Classification Sherloc (09022015). Collection method: clinical testing. Allele origin: germline.
Comment: This sequence change replaces glycine, which is neutral and non-polar, with alanine, which is neutral and non-polar, at codon 374 of the IKBKB protein (p.Gly374Ala). This variant is present in population databases (no rsID available, gnomAD 0.002%). This variant has not been reported in the literature in individuals affected with IKBKB-related conditions. ClinVar contains an entry for this variant (Variation ID: 1386930). Advanced modeling of protein sequence and biophysical properties (such as structural, functional, and spatial information, amino acid conservation, physicochemical variation, residue mobility, and thermodynamic stability) performed at Invitae indicates that this missense variant is not expected to disrupt IKBKB protein function with a negative predictive value of 95%. In summary, the available evidence is currently insufficient to determine the role of this variant in disease. Therefore, it has been classified as a Variant of Uncertain Significance.